The following is an entry in ClinVar:

NM_000062.3(SERPING1):c.1304A>G (p.Asp435Gly)

Gene: SERPING1 (serpin family G member 1; plus strand). Cytogenetic location: 11q12.1.
Variant type: single nucleotide variant.
Coding change: c.1304A>G on transcript NM_000062.3 (MANE Select); coding-DNA position 1304, A replaced by G.
Protein change: p.Asp435Gly; replaces aspartic acid 435 with glycine.
Molecular consequence: missense variant.
Genome position (GRCh38, 1-based): chr11:57,614,382, A>G. VCF-style: chr11-57614382-A-G. GRCh37 (hg19) VCF-style: chr11-57381855-A-G.
Other names: c.1304A>G, p.Asp435Gly (NM_001032295.2); short protein forms D435G.
Identifiers: ClinVar variation 2845168 (VCV002845168.3), dbSNP rs2495457957, ClinGen allele CA380690389.

ClinVar aggregate classification (germline): Uncertain significance (1 of 4 stars; one submission).

gnomAD v4.1: 1 of 1,614,082 alleles (0.000062%); highest among the groups gnomAD compares: South Asian, 0.0011%; no homozygotes.

Submission:

Labcorp Genetics (formerly Invitae), Labcorp
Classification: Uncertain significance. Last evaluated: 2023-03-19. Review status: criteria provided, single submitter. Criteria: Invitae Variant Classification Sherloc (09022015). Collection method: clinical testing. Allele origin: germline.
Comment: In summary, the available evidence is currently insufficient to determine the role of this variant in disease. Therefore, it has been classified as a Variant of Uncertain Significance. Advanced modeling of protein sequence and biophysical properties (such as structural, functional, and spatial information, amino acid conservation, physicochemical variation, residue mobility, and thermodynamic stability) has been performed at Invitae for this missense variant, however the output from this modeling did not meet the statistical confidence thresholds required to predict the impact of this variant on SERPING1 protein function. This variant has not been reported in the literature in individuals affected with SERPING1-related conditions. This variant is not present in population databases (gnomAD no frequency). This sequence change replaces aspartic acid, which is acidic and polar, with glycine, which is neutral and non-polar, at codon 435 of the SERPING1 protein (p.Asp435Gly).